The following is an entry in ClinVar:

ClinVar aggregate classification (germline): Conflicting classifications of pathogenicity. Review status: criteria provided, conflicting classifications (1 of 4 stars). 3 submissions from 3 submitters: Uncertain significance (1); Benign (1); Likely benign (1). Last evaluated 2025-07-21.

Conditions:
TMEM132E-related disorder. Also called: TMEM132E-related condition.

Allele frequency attached by ClinVar (database versions not stated): ExAC 0.00040; 1000 Genomes Project 0.00060; 1000 Genomes Project 30x 0.00078; gnomAD 0.00100 and 0.00109; ESP Exome Variant Server 0.00154; TOPMed 0.00115; gnomAD exomes 0.00036.
gnomAD v4.1: 508 of 1,614,206 alleles (0.031%); highest among the groups gnomAD compares: African/African-American, 0.31%; 2 homozygotes.

Submissions (3):

Labcorp Genetics (formerly Invitae), Labcorp
Classification: Benign. Last evaluated: 2025-07-21. Review status: criteria provided, single submitter. Criteria: Invitae Variant Classification Sherloc (09022015). Collection method: clinical testing. Allele origin: germline.

PreventionGenetics, part of Exact Sciences
Classification: Likely benign for TMEM132E-related condition. Last evaluated: 2025-02-26. Review status: criteria provided, single submitter. Criteria: ACMG Guidelines, 2015. Collection method: clinical testing. Allele origin: germline.
Comment: This variant is classified as likely benign based on ACMG/AMP sequence variant interpretation guidelines (Richards et al. 2015 PMID: 25741868, with internal and published modifications).

Eurofins Ntd Llc (ga)
Classification: Uncertain significance. Last evaluated: 2017-05-25. Review status: criteria provided, single submitter. Criteria: EGL Classification Definitions 2015. Collection method: clinical testing. Allele origin: germline. Observed: 1 variant allele, 1 heterozygote.

NM_001304438.2(TMEM132E):c.1572C>T (p.Leu524=)

Gene: TMEM132E (transmembrane protein 132E; plus strand). Cytogenetic location: 17q12.
Variant type: single nucleotide variant.
Coding change: c.1572C>T on transcript NM_001304438.2 (MANE Select); coding-DNA position 1572, C replaced by T.
Protein change: p.Leu524=; no amino-acid change (leucine 524 retained).
Molecular consequence: synonymous variant.
Genome position (GRCh38, 1-based): chr17:34,632,793, C>T. VCF-style: chr17-34632793-C-T. GRCh37 (hg19) VCF-style: chr17-32959812-C-T.
Other names: c.1572C>T (NM_001304438.1).
Identifiers: ClinVar variation 502254 (VCV000502254.13), dbSNP rs149974755, ClinGen allele CA8496749.